The following is an entry in ClinVar:

NM_000138.5(FBN1):c.736+1G>A

Gene: FBN1 (fibrillin 1; minus strand). Cytogenetic location: 15q21.1.
Variant type: single nucleotide variant.
Coding change: c.736+1G>A on transcript NM_000138.5 (MANE Select); the canonical splice donor site of the intron after coding-DNA position 736, G replaced by A.
Molecular consequence: splice donor variant.
Genome position (GRCh38, 1-based): chr15:48,537,610, C>T on the plus strand (G>A on the coding strand, the complement: FBN1 is on the minus strand). VCF-style: chr15-48537610-C-T. GRCh37 (hg19) VCF-style: chr15-48829807-C-T.
Other names: c.736+1G>A (NM_001406716.1, NM_001406717.1).
Identifiers: ClinVar variation 424217 (VCV000424217.2), dbSNP rs1064796866, ClinGen allele CA16619978.

ClinVar aggregate classification (germline): Likely pathogenic (1 of 4 stars; one submission).

Submission:

GeneDx
Classification: Likely pathogenic. Last evaluated: 2017-03-23. Review status: criteria provided, single submitter. Criteria: GeneDx Variant Classification (06012015). Collection method: clinical testing. Allele origin: germline. Affected: yes.
Comment: The c.736+1 G>A variant has not been published as pathogenic or been reported as benign to our knowledge, and it is not observed in large population cohorts (Lek et al., 2016; 1000 Genomes Consortium et al., 2015; Exome Variant Server). The guanine (G) nucleotide at position c.736+1 is conserved across species. In silico splicing algorithms predict this variant likely destroys the natural intron 7 splice donor site, which would result in disruption of normal splicing, though the precise splice outcome is unknown. If the abnormal splice outcome is skipping of exon 7, then this would lead to loss of the first hybrid domain. This domain has been reported to play a critical role in fibrillin-1 self-assembly into multimeric microfibrils, as well fibrillin-1 protein interactions in the extracellular matrix (Reinhardt et al., 2000; El-Hallous et al., 2007). Alternatively, if the abnormal splice outcome leads to mRNA instability, FBN1 haploinsufficiency is a well-established mechanism of disease for Marfan syndrome. Lastly, other splice site variants and exon-level deletions in the FBN1 gene have been reported in HGMD in association with Marfan syndrome (Stenson et al., 2014).